The following is an entry in ClinVar:

ClinVar aggregate classification (germline): Uncertain significance (1 of 4 stars; one submission).

Allele frequency attached by ClinVar (database versions not stated): gnomAD exomes below 0.00001.
gnomAD v4.1: 1 of 1,612,924 alleles (0.000062%); highest among the groups gnomAD compares: Non-Finnish European, 0.000085%; no homozygotes.

Submission:

Labcorp Genetics (formerly Invitae), Labcorp
Classification: Uncertain significance. Last evaluated: 2024-06-16. Review status: criteria provided, single submitter. Criteria: Invitae Variant Classification Sherloc (09022015). Collection method: clinical testing. Allele origin: germline.
Comment: This sequence change replaces serine, which is neutral and polar, with proline, which is neutral and non-polar, at codon 232 of the ETV6 protein (p.Ser232Pro). This variant is not present in population databases (gnomAD no frequency). This variant has not been reported in the literature in individuals affected with ETV6-related conditions. ClinVar contains an entry for this variant (Variation ID: 1954107). Advanced modeling of protein sequence and biophysical properties (such as structural, functional, and spatial information, amino acid conservation, physicochemical variation, residue mobility, and thermodynamic stability) performed at Invitae indicates that this missense variant is not expected to disrupt ETV6 protein function with a negative predictive value of 80%. In summary, the available evidence is currently insufficient to determine the role of this variant in disease. Therefore, it has been classified as a Variant of Uncertain Significance.

NM_001987.5(ETV6):c.694T>C (p.Ser232Pro)

Gene: ETV6 (ETS variant transcription factor 6; plus strand). Cytogenetic location: 12p13.2.
Variant type: single nucleotide variant.
Coding change: c.694T>C on transcript NM_001987.5 (MANE Select); coding-DNA position 694, T replaced by C.
Protein change: p.Ser232Pro; replaces serine 232 with proline.
Molecular consequence: missense variant.
Genome position (GRCh38, 1-based): chr12:11,869,654, T>C. VCF-style: chr12-11869654-T-C. GRCh37 (hg19) VCF-style: chr12-12022588-T-C.
Other names: c.691T>C, p.Ser231Pro (NM_001413913.1); c.667T>C, p.Ser223Pro (NM_001413914.1); c.430T>C, p.Ser144Pro (NM_001413915.1); c.694T>C, p.Ser232Pro (NM_001413916.1, NM_001413917.1); short protein forms S231P, S223P, S144P, S232P.
Identifiers: ClinVar variation 1954107 (VCV001954107.5), dbSNP rs2498080324, ClinGen allele CA384043758.